The following is an entry in ClinVar:

NM_145290.4(ADGRA3):c.283G>A (p.Glu95Lys)

Gene: ADGRA3 (adhesion G protein-coupled receptor A3; minus strand). Cytogenetic location: 4p15.2.
Variant type: single nucleotide variant.
Coding change: c.283G>A on transcript NM_145290.4 (MANE Select); coding-DNA position 283, G replaced by A.
Protein change: p.Glu95Lys; replaces glutamic acid 95 with lysine.
Molecular consequence: missense variant.
Genome position (GRCh38, 1-based): chr4:22,473,818, C>T on the plus strand (G>A on the coding strand, the complement: ADGRA3 is on the minus strand). VCF-style: chr4-22473818-C-T. GRCh37 (hg19) VCF-style: chr4-22475441-C-T.
Other names: short protein forms E95K.
Identifiers: ClinVar variation 2167990 (VCV002167990.4), dbSNP rs921364290, ClinGen allele CA93538175.

ClinVar aggregate classification (germline): Uncertain significance (1 of 4 stars; one submission).

Allele frequency attached by ClinVar (database versions not stated): gnomAD 0.00002; TOPMed 0.00002; gnomAD exomes 0.00003.
gnomAD v4.1: 42 of 1,605,746 alleles (0.0026%); highest among the groups gnomAD compares: Middle Eastern, 0.017%; no homozygotes.

Submission:

Labcorp Genetics (formerly Invitae), Labcorp
Classification: Uncertain significance. Last evaluated: 2024-03-27. Review status: criteria provided, single submitter. Criteria: Invitae Variant Classification Sherloc (09022015). Collection method: clinical testing. Allele origin: germline.
Comment: This sequence change replaces glutamic acid, which is acidic and polar, with lysine, which is basic and polar, at codon 95 of the ADGRA3 protein (p.Glu95Lys). This variant is not present in population databases (gnomAD no frequency). This variant has not been reported in the literature in individuals affected with ADGRA3-related conditions. ClinVar contains an entry for this variant (Variation ID: 2167990). An algorithm developed to predict the effect of missense changes on protein structure and function (PolyPhen-2) suggests that this variant is likely to be disruptive. In summary, the available evidence is currently insufficient to determine the role of this variant in disease. Therefore, it has been classified as a Variant of Uncertain Significance.